The following is an entry in ClinVar:

ClinVar aggregate classification (germline): Pathogenic (1 of 4 stars; one submission).

Submission:

ARUP Laboratories, Molecular Genetics and Genomics, ARUP Laboratories
Classification: Pathogenic. Last evaluated: 2025-03-03. Review status: criteria provided, single submitter. Criteria: ARUP Molecular Germline Variant Investigation Process 2024. Collection method: clinical testing. Allele origin: germline.
Comment: The TSC2 c.4411_4412del; p.Arg1471GlyfsTer52 variant, to our knowledge, is not reported in the medical literature or gene specific databases. This variant is also absent from the Genome Aggregation Database (v2.1.1), indicating it is not a common polymorphism. This variant causes a frameshift by deleting two nucleotides, so it is predicted to result in a truncated protein or mRNA subject to nonsense-mediated decay. Additionally, numerous downstream truncating variants have been described in individuals with tuberous sclerosis complex and are considered pathogenic (Ding 2020, Ogorek 2020). Based on available information, the p.Arg1471GlyfsTer52 variant is considered to be pathogenic. References: Ding Y et al. Genotype and Phenotype Analysis of Chinese Children With Tuberous Sclerosis Complex: A Pediatric Cohort Study. Front Genet. 2020 Mar 10;11:204. PMID: 32211034. Ogorek B et al. TSC2 pathogenic variants are predictive of severe clinical manifestations in TSC infants: results of the EPISTOP study. Genet Med. 2020 Sep;22(9):1489-1497. PMID: 32461669.

NM_000548.5(TSC2):c.4411_4412del (p.Arg1471fs)

Gene: TSC2 (TSC complex subunit 2; plus strand). Cytogenetic location: 16p13.3.
Variant type: Deletion.
Coding change: c.4411_4412del on transcript NM_000548.5 (MANE Select); coding-DNA positions 4411 to 4412, 2 bases deleted (AG; older notation c.4411_4412delAG).
Protein change: p.Arg1471fs; shifts the reading frame from arginine 1471.
Molecular consequence: frameshift variant. On other transcripts: non-coding transcript variant (5).
Genome position (GRCh38, 1-based): chr16:2,084,633-2,084,634, AG deleted. VCF-style (leftmost placement, unchanged base first): chr16-2084632-CAG-C. GRCh37 (hg19) VCF-style: chr16-2134633-CAG-C.
Other names: c.3811_3812del, p.Arg1271fs (NM_001406680.1); c.3751_3752del, p.Arg1251fs (NM_001406681.1); c.3742_3743del, p.Arg1248fs (NM_001406682.1, NM_001406683.1); c.3739_3740del, p.Arg1247fs (NM_001406684.1); c.3613_3614del, p.Arg1205fs (NM_001406685.1, NM_001406686.1); c.3610_3611del, p.Arg1204fs (NM_001406687.1, NM_001406688.1); c.2998_2999del, p.Arg1000fs (NM_001406689.1); c.4210_4211del, p.Arg1404fs (NM_001077183.3); and 26 more; short protein forms R1000fs, R1204fs, R1205fs, R1227fs, R1247fs, R1248fs, R1251fs, R1271fs.
Identifiers: ClinVar variation 4685652 (VCV004685652.1).